The following is an entry in ClinVar:

NM_001378969.1(KCND3):c.433G>A (p.Glu145Lys)

Gene: KCND3 (potassium voltage-gated channel subfamily D member 3; minus strand). Cytogenetic location: 1p13.2.
Variant type: single nucleotide variant.
Coding change: c.433G>A on transcript NM_001378969.1 (MANE Select); coding-DNA position 433, G replaced by A.
Protein change: p.Glu145Lys; replaces glutamic acid 145 with lysine.
Molecular consequence: missense variant.
Genome position (GRCh38, 1-based): chr1:111,982,294, C>T on the plus strand (G>A on the coding strand, the complement: KCND3 is on the minus strand). VCF-style: chr1-111982294-C-T. GRCh37 (hg19) VCF-style: chr1-112524916-C-T.
Other names: c.433G>A, p.Glu145Lys (NM_001378970.1, NM_004980.5, NM_172198.3); short protein forms E145K.
Identifiers: ClinVar variation 586066 (VCV000586066.4), dbSNP rs1557768261, ClinGen allele CA341822153.

ClinVar aggregate classification (germline): Uncertain significance. Review status: criteria provided, multiple submitters, no conflicts (2 of 4 stars). 2 submissions from 2 submitters: Uncertain significance (2). Last evaluated 2025-04-04.

Conditions:
Cardiovascular phenotype. Identifiers: MedGen CN230736.

Allele frequency attached by ClinVar (database versions not stated): gnomAD exomes below 0.00001.
gnomAD v4.1: 2 of 1,614,118 alleles (0.00012%); highest among the groups gnomAD compares: South Asian, 0.0011%; no homozygotes.

Submissions (2):

Ambry Genetics
Classification: Uncertain significance for Cardiovascular phenotype. Last evaluated: 2025-04-04. Review status: criteria provided, single submitter. Criteria: Ambry Variant Classification Scheme 2023. Collection method: clinical testing. Allele origin: germline.

Athena Diagnostics
Classification: Uncertain significance. Last evaluated: 2024-02-01. Review status: criteria provided, single submitter. Criteria: Athena Diagnostics Criteria. Collection method: clinical testing. Allele origin: unknown.
Comment: Available data are insufficient to determine the clinical significance of the variant at this time. This variant has not been reported in large, multi-ethnic general populations. Computational tools predict that this variant is not damaging.